The following is an entry in ClinVar:

NM_001291088.2(WDR87):c.2488C>T (p.Arg830Cys)

Gene: WDR87 (WD repeat domain 87; minus strand). Cytogenetic location: 19q13.13.
Variant type: single nucleotide variant.
Coding change: c.2488C>T on transcript NM_001291088.2 (MANE Select); coding-DNA position 2488, C replaced by T.
Protein change: p.Arg830Cys; replaces arginine 830 with cysteine.
Molecular consequence: missense variant.
Genome position (GRCh38, 1-based): chr19:37,893,215, G>A on the plus strand (C>T on the coding strand, the complement: WDR87 is on the minus strand). VCF-style: chr19-37893215-G-A. GRCh37 (hg19) VCF-style: chr19-38383855-G-A.
Other names: c.2371C>T, p.Arg791Cys (NM_031951.5); short protein forms R791C, R830C.
Identifiers: ClinVar variation 2076778 (VCV002076778.4), dbSNP rs534153804, ClinGen allele CA9408805.

ClinVar aggregate classification (germline): Uncertain significance (1 of 4 stars; one submission).

Allele frequency attached by ClinVar (database versions not stated): ExAC 0.00005; TOPMed 0.00006; gnomAD exomes 0.00027; gnomAD 0.00011; 1000 Genomes Project 30x 0.00016; 1000 Genomes Project 0.00020.

Submission:

Labcorp Genetics (formerly Invitae), Labcorp
Classification: Uncertain significance. Last evaluated: 2022-03-14. Review status: criteria provided, single submitter. Criteria: Invitae Variant Classification Sherloc (09022015). Collection method: clinical testing. Allele origin: germline.
Comment: Algorithms developed to predict the effect of missense changes on protein structure and function (SIFT, PolyPhen-2, Align-GVGD) all suggest that this variant is likely to be disruptive. In summary, the available evidence is currently insufficient to determine the role of this variant in disease. Therefore, it has been classified as a Variant of Uncertain Significance. This sequence change replaces arginine, which is basic and polar, with cysteine, which is neutral and slightly polar, at codon 791 of the WDR87 protein (p.Arg791Cys). This variant is present in population databases (rs534153804, gnomAD 0.04%). This variant has not been reported in the literature in individuals affected with WDR87-related conditions.